The following is an entry in ClinVar:

NM_002432.3(MNDA):c.361A>C (p.Lys121Gln)

Gene: MNDA (myeloid cell nuclear differentiation antigen; plus strand). Cytogenetic location: 1q23.1.
Variant type: single nucleotide variant.
Coding change: c.361A>C on transcript NM_002432.3 (MANE Select); coding-DNA position 361, A replaced by C.
Protein change: p.Lys121Gln; replaces lysine 121 with glutamine.
Molecular consequence: missense variant.
Genome position (GRCh38, 1-based): chr1:158,843,374, A>C. VCF-style: chr1-158843374-A-C. GRCh37 (hg19) VCF-style: chr1-158813164-A-C.
Other names: short protein forms K121Q.
Identifiers: ClinVar variation 1733296 (VCV001733296.2), dbSNP rs2526079316, ClinGen allele CA343038715.

ClinVar aggregate classification (germline): Uncertain significance (1 of 4 stars; one submission).

Submission:

Ambry Genetics
Classification: Uncertain significance. Last evaluated: 2022-04-19. Review status: criteria provided, single submitter. Criteria: Ambry Variant Classification Scheme 2023. Collection method: clinical testing. Allele origin: germline.
Comment: The p.K121Q variant (also known as c.361A>C), located in coding exon 2 of the MNDA gene, results from an A to C substitution at nucleotide position 361. The lysine at codon 121 is replaced by glutamine, an amino acid with similar properties. This amino acid position is conserved. In addition, this alteration is predicted to be tolerated by in silico analysis. Since supporting evidence is limited at this time, the clinical significance of this alteration remains unclear.